The following is an entry in ClinVar:

ClinVar aggregate classification (germline): Likely benign (1 of 4 stars; one submission).

Conditions:
LIPE-related disorder. Also called: LIPE-related condition.

gnomAD v4.1: 53 of 1,597,732 alleles (0.0033%); highest among the groups gnomAD compares: African/African-American, 0.067%; no homozygotes.

Submission:

PreventionGenetics, part of Exact Sciences
Classification: Likely benign for LIPE-related condition. Last evaluated: 2025-10-27. Review status: criteria provided, single submitter. Criteria: ACMG Guidelines, 2015. Collection method: clinical testing. Allele origin: germline.
Comment: This variant is classified as likely benign based on ACMG/AMP sequence variant interpretation guidelines (Richards et al. 2015 PMID: 25741868, with internal and published modifications).

NM_005357.4(LIPE):c.2365+6G>T

Genes: LIPE (lipase E, hormone sensitive type; minus strand), LIPE-AS1 (LIPE antisense RNA 1; plus strand), LOC101930071 (uncharacterized LOC101930071; plus strand). Cytogenetic location: 19q13.2.
Variant type: single nucleotide variant.
Coding change: c.2365+6G>T on transcript NM_005357.4 (MANE Select); 6 bases into the intron after coding-DNA position 2365, G replaced by T.
Molecular consequence: intron variant.
Genome position (GRCh38, 1-based): chr19:42,406,155, C>A on the plus strand (G>T on the coding strand, the complement: LIPE is on the minus strand). VCF-style: chr19-42406155-C-A. GRCh37 (hg19) VCF-style: chr19-42910307-C-A.
Other names: c.779-594G>T (NM_001416107.1); c.1373-594G>T (NM_001416105.1); c.1600+6G>T (NM_001416101.1); c.1615+6G>T (NM_001416100.1); c.724+6G>T (NM_001416108.1); c.1268-594G>T (NM_001416106.1); c.1495+6G>T (NM_001416102.1); c.1462+6G>T (NM_001416103.1, NM_001416104.1).
Identifiers: ClinVar variation 4984426 (VCV004984426.1).